The following is an entry in ClinVar:

ClinVar aggregate classification (germline): Uncertain significance. Review status: criteria provided, multiple submitters, no conflicts (2 of 4 stars). 3 submissions from 3 submitters: Uncertain significance (3). Last evaluated 2026-08-06.

Conditions:
Inborn genetic diseases. Identifiers: MedGen C0950123, MeSH D030342.

Allele frequency attached by ClinVar (database versions not stated): gnomAD exomes below 0.00001; gnomAD 0.00001; ExAC 0.00002; TOPMed 0.00002.

Submissions (3):

OLLIN Analises Genomicas, OLLIN
Classification: Uncertain significance. Last evaluated: 2026-08-06. Review status: criteria provided, single submitter. Criteria: ACMG Guidelines 2015 PMID 25741868. Collection method: clinical testing. Allele origin: germline.
Comment: This missense variant, located in exon 23 (of 25), has been reported in ClinVar (accession VCV002172410.5) and in gnomAD with an allele frequency of 0.00037%. However, to our knowledge, it has not been reported in the scientific literature. In silico analysis predicts that this variant has a tolerated effect. This gene is constrained for missense variation. According to the currently available evidence, this variant has been classified as uncertain significance (PP2, BP4_M).

Ambry Genetics
Classification: Uncertain significance for Inborn genetic diseases. Last evaluated: 2024-09-27. Review status: criteria provided, single submitter. Criteria: Ambry Variant Classification Scheme 2023. Collection method: clinical testing. Allele origin: germline.

Labcorp Genetics (formerly Invitae), Labcorp
Classification: Uncertain significance. Last evaluated: 2023-10-04. Review status: criteria provided, single submitter. Criteria: Invitae Variant Classification Sherloc (09022015). Collection method: clinical testing. Allele origin: germline.
Comment: This sequence change replaces glutamic acid, which is acidic and polar, with glycine, which is neutral and non-polar, at codon 967 of the CTR9 protein (p.Glu967Gly). This variant is present in population databases (rs753383580, gnomAD 0.003%). This variant has not been reported in the literature in individuals affected with CTR9-related conditions. ClinVar contains an entry for this variant (Variation ID: 2172410). An algorithm developed to predict the effect of missense changes on protein structure and function (PolyPhen-2) suggests that this variant is likely to be tolerated. In summary, the available evidence is currently insufficient to determine the role of this variant in disease. Therefore, it has been classified as a Variant of Uncertain Significance.

NM_014633.5(CTR9):c.2900A>G (p.Glu967Gly)

Gene: CTR9 (CTR9 component of Paf1/RNA polymerase II complex; plus strand). Cytogenetic location: 11p15.4.
Variant type: single nucleotide variant.
Coding change: c.2900A>G on transcript NM_014633.5 (MANE Select); coding-DNA position 2900, A replaced by G.
Protein change: p.Glu967Gly; replaces glutamic acid 967 with glycine.
Molecular consequence: missense variant.
Genome position (GRCh38, 1-based): chr11:10,775,221, A>G. VCF-style: chr11-10775221-A-G. GRCh37 (hg19) VCF-style: chr11-10796768-A-G.
Other names: c.2900A>G (NM_014633.3); c.2828A>G, p.Glu943Gly (NM_001346279.2); short protein forms E967G, E943G.
Identifiers: ClinVar variation 2172410 (VCV002172410.6), dbSNP rs753383580, ClinGen allele CA5885459.
Genomic context (GRCh38, chr11:10,775,221, plus strand): 5'-ATAGGTAGGCTCTTGACAAACTCTCTCTTGGTGTTCACTATTTAAGACATCCAAAGGGAG[A>G]AGAAGGATCTGATGATGATGAAACAGAAAATGGCCCCAAACCAAAAAAACGACGTCCACC-3'
Protein context (NP_055448.1, residues 957-977): KKKRRRHPKG[Glu967Gly]EGSDDDETEN